The following is an entry in ClinVar:

ClinVar aggregate classification (germline): Uncertain significance (1 of 4 stars; one submission).

Submission:

Labcorp Genetics (formerly Invitae), Labcorp
Classification: Uncertain significance. Last evaluated: 2025-03-17. Review status: criteria provided, single submitter. Criteria: Invitae Variant Classification Sherloc (09022015). Collection method: clinical testing. Allele origin: germline.
Comment: This sequence change replaces proline, which is neutral and non-polar, with alanine, which is neutral and non-polar, at codon 286 of the NR2F1 protein (p.Pro286Ala). This variant is not present in population databases (gnomAD no frequency). This variant has not been reported in the literature in individuals affected with NR2F1-related conditions. Invitae Evidence Modeling of protein sequence and biophysical properties (such as structural, functional, and spatial information, amino acid conservation, physicochemical variation, residue mobility, and thermodynamic stability) has been performed for this missense variant. However, the output from this modeling did not meet the statistical confidence thresholds required to predict the impact of this variant on NR2F1 protein function. In summary, the available evidence is currently insufficient to determine the role of this variant in disease. Therefore, it has been classified as a Variant of Uncertain Significance.

NM_005654.6(NR2F1):c.856C>G (p.Pro286Ala)

Gene: NR2F1 (nuclear receptor subfamily 2 group F member 1; plus strand). Cytogenetic location: 5q15.
Variant type: single nucleotide variant.
Coding change: c.856C>G on transcript NM_005654.6 (MANE Select); coding-DNA position 856, C replaced by G.
Protein change: p.Pro286Ala; replaces proline 286 with alanine.
Molecular consequence: missense variant.
Genome position (GRCh38, 1-based): chr5:93,588,309, C>G. VCF-style: chr5-93588309-C-G. GRCh37 (hg19) VCF-style: chr5-92924015-C-G.
Other names: c.406C>G, p.Pro136Ala (NM_001410754.1); short protein forms P136A, P286A.
Identifiers: ClinVar variation 3671843 (VCV003671843.2).